The following is an entry in ClinVar:

NM_020987.5(ANK3):c.12214G>C (p.Gly4072Arg)

Gene: ANK3 (ankyrin 3; minus strand). Cytogenetic location: 10q21.2.
Variant type: single nucleotide variant.
Coding change: c.12214G>C on transcript NM_020987.5 (MANE Select); coding-DNA position 12214, G replaced by C.
Protein change: p.Gly4072Arg; replaces glycine 4072 with arginine.
Molecular consequence: missense variant. On other transcripts: intron variant (4).
Genome position (GRCh38, 1-based): chr10:60,068,667, C>G on the plus strand (G>C on the coding strand, the complement: ANK3 is on the minus strand). VCF-style: chr10-60068667-C-G. GRCh37 (hg19) VCF-style: chr10-61828425-C-G.
Other names: c.4388-658G>C (NM_001204403.2); c.4409-658G>C (NM_001204404.2); c.4406-658G>C (NM_001320874.2); c.1808-658G>C (NM_001149.4); c.12214G>C (NM_020987.3); short protein forms G4072R.
Identifiers: ClinVar variation 2189516 (VCV002189516.6), dbSNP rs140830125, ClinGen allele CA5510951.

ClinVar aggregate classification (germline): Conflicting classifications of pathogenicity. Review status: criteria provided, conflicting classifications (1 of 4 stars). 2 submissions from 2 submitters: Uncertain significance (1); Likely benign (1). Last evaluated 2024-02-23.

Conditions:
Inborn genetic diseases. Identifiers: MedGen C0950123, MeSH D030342.

Allele frequency attached by ClinVar (database versions not stated): ESP Exome Variant Server 0.00015.
gnomAD v4.1: 32 of 1,611,812 alleles (0.002%); highest among the groups gnomAD compares: African/African-American, 0.043%; no homozygotes.

Submissions (2):

Labcorp Genetics (formerly Invitae), Labcorp
Classification: Uncertain significance. Last evaluated: 2024-02-23. Review status: criteria provided, single submitter. Criteria: Invitae Variant Classification Sherloc (09022015). Collection method: clinical testing. Allele origin: germline.
Comment: This sequence change replaces glycine, which is neutral and non-polar, with arginine, which is basic and polar, at codon 4072 of the ANK3 protein (p.Gly4072Arg). This variant is present in population databases (rs140830125, gnomAD 0.04%). This variant has not been reported in the literature in individuals affected with ANK3-related conditions. ClinVar contains an entry for this variant (Variation ID: 2189516). An algorithm developed to predict the effect of missense changes on protein structure and function (PolyPhen-2) suggests that this variant is likely to be disruptive. In summary, the available evidence is currently insufficient to determine the role of this variant in disease. Therefore, it has been classified as a Variant of Uncertain Significance.

Ambry Genetics
Classification: Likely benign for Inborn genetic diseases. Last evaluated: 2023-02-17. Review status: criteria provided, single submitter. Criteria: Ambry Variant Classification Scheme 2023. Collection method: clinical testing. Allele origin: germline.